The following is an entry in ClinVar:

ClinVar aggregate classification (germline): Likely benign. Review status: criteria provided, multiple submitters, no conflicts (2 of 4 stars). 4 submissions from 4 submitters: Likely benign (3). 1 of the submissions does not count toward it. Last evaluated 2025-10-15.

Conditions:
Cardiovascular phenotype. Identifiers: MedGen CN230736.
Long QT syndrome (LQTS). Identifiers: MedGen C0023976, MeSH D008133, MONDO:0002442. Disease mechanism: loss of function. Inheritance: Various modes of inheritance.
SNTA1-related disorder. Also called: SNTA1-related condition.

Allele frequency attached by ClinVar (database versions not stated): TOPMed below 0.00001; gnomAD exomes 0.00001; 1000 Genomes Project 30x 0.00016.
gnomAD v4.1: 22 of 1,487,016 alleles (0.0015%); highest among the groups gnomAD compares: Middle Eastern, 0.048%; no homozygotes.

Submissions (4):

Labcorp Genetics (formerly Invitae), Labcorp
Classification: Likely benign for Long QT syndrome. Last evaluated: 2025-10-15. Review status: criteria provided, single submitter. Criteria: Invitae Variant Classification Sherloc (09022015). Collection method: clinical testing. Allele origin: germline.

Blueprint Genetics
Classification: Likely benign. Last evaluated: 2024-10-16. Review status: criteria provided, single submitter. Criteria: ACMG Guidelines, 2015. Collection method: clinical testing. Allele origin: germline.

Ambry Genetics
Classification: Likely benign for Cardiovascular phenotype. Last evaluated: 2021-02-08. Review status: criteria provided, single submitter. Criteria: Ambry Variant Classification Scheme 2023. Collection method: clinical testing. Allele origin: germline.

PreventionGenetics, part of Exact Sciences
Classification: Likely benign for SNTA1-related condition. Last evaluated: 2019-07-03. Review status: no assertion criteria provided. Collection method: clinical testing. Allele origin: germline. Not counted in ClinVar's aggregate classification.
Comment: This variant is classified as likely benign based on ACMG/AMP sequence variant interpretation guidelines (Richards et al. 2015 PMID: 25741868, with internal and published modifications).

NM_003098.3(SNTA1):c.279C>A (p.Ala93=)

Genes: SNTA1 (syntrophin alpha 1; minus strand), LOC130065679 (ATAC-STARR-seq lymphoblastoid silent region 12811; plus strand). Cytogenetic location: 20q11.21.
Variant type: single nucleotide variant.
Coding change: c.279C>A on transcript NM_003098.3 (MANE Select); coding-DNA position 279, C replaced by A.
Protein change: p.Ala93=; no amino-acid change (alanine 93 retained).
Molecular consequence: synonymous variant.
Genome position (GRCh38, 1-based): chr20:33,443,342, G>T on the plus strand (C>A on the coding strand, the complement: SNTA1 is on the minus strand). VCF-style: chr20-33443342-G-T. GRCh37 (hg19) VCF-style: chr20-32031148-G-T.
Identifiers: ClinVar variation 1147833 (VCV001147833.14), dbSNP rs1178951223, ClinGen allele CA510252411.